The following is an entry in ClinVar:

NM_021076.4(NEFH):c.594G>A (p.Ala198=)

Gene: NEFH (neurofilament heavy chain; plus strand). Cytogenetic location: 22q12.2.
Variant type: single nucleotide variant.
Coding change: c.594G>A on transcript NM_021076.4 (MANE Select); coding-DNA position 594, G replaced by A.
Protein change: p.Ala198=; no amino-acid change (alanine 198 retained).
Molecular consequence: synonymous variant.
Genome position (GRCh38, 1-based): chr22:29,480,856, G>A. VCF-style: chr22-29480856-G-A. GRCh37 (hg19) VCF-style: chr22-29876845-G-A.
Identifiers: ClinVar variation 735247 (VCV000735247.11), dbSNP rs748478910, ClinGen allele CA323083026.

ClinVar aggregate classification (germline): Likely benign. Review status: criteria provided, multiple submitters, no conflicts (2 of 4 stars). 4 submissions from 4 submitters: Likely benign (4). Last evaluated 2026-03-13.

Conditions:
NEFH-related disorder. Also called: NEFH-related condition.

Allele frequency attached by ClinVar (database versions not stated): gnomAD exomes 0.00007; gnomAD 0.00009 and 0.00010; TOPMed 0.00012.
gnomAD v4.1: 53 of 1,395,360 alleles (0.0038%); highest among the groups gnomAD compares: African/African-American, 0.0077%; no homozygotes.

Submissions (4):

Women's Health and Genetics/Laboratory Corporation of America, LabCorp
Classification: Likely benign. Last evaluated: 2026-03-13. Review status: criteria provided, single submitter. Criteria: LabCorp Variant Classification Summary - May 2015. Collection method: clinical testing. Allele origin: germline.

Labcorp Genetics (formerly Invitae), Labcorp
Classification: Likely benign. Last evaluated: 2025-02-19. Review status: criteria provided, single submitter. Criteria: Invitae Variant Classification Sherloc (09022015). Collection method: clinical testing. Allele origin: germline.

PreventionGenetics, part of Exact Sciences
Classification: Likely benign for NEFH-related condition. Last evaluated: 2024-10-24. Review status: criteria provided, single submitter. Criteria: ACMG Guidelines, 2015. Collection method: clinical testing. Allele origin: germline.
Comment: This variant is classified as likely benign based on ACMG/AMP sequence variant interpretation guidelines (Richards et al. 2015 PMID: 25741868, with internal and published modifications).

Blueprint Genetics
Classification: Likely benign. Last evaluated: 2022-02-23. Review status: criteria provided, single submitter. Criteria: ACMG Guidelines, 2015. Collection method: clinical testing. Allele origin: germline.